The following is an entry in ClinVar:

ClinVar aggregate classification (germline): Uncertain significance (1 of 4 stars; one submission).

Submission:

Women's Health and Genetics/Laboratory Corporation of America, LabCorp
Classification: Uncertain significance. Last evaluated: 2026-03-17. Review status: criteria provided, single submitter. Criteria: LabCorp Variant Classification Summary - May 2015. Collection method: clinical testing. Allele origin: germline.
Comment: Variant summary: SPG11 c.1506A>T (p.Leu502Phe) results in a non-conservative amino acid change in the encoded protein sequence. Algorithms developed to predict the effect of missense changes on protein structure and function all suggest that this variant is likely to be disruptive. The variant was absent in 251322 control chromosomes. The available data on variant occurrences in the general population are insufficient to allow any conclusion about variant significance. To our knowledge, no occurrence of c.1506A>T in individuals affected with SPG11-related conditions and no experimental evidence demonstrating its impact on protein function have been reported. No submitters have cited clinical-significance assessments for this variant to ClinVar. Based on the evidence outlined above, the variant was classified as uncertain significance.

NM_025137.4(SPG11):c.1506A>T (p.Leu502Phe)

Gene: SPG11 (SPG11 vesicle trafficking associated, spatacsin; minus strand). Cytogenetic location: 15q21.1.
Variant type: single nucleotide variant.
Coding change: c.1506A>T on transcript NM_025137.4 (MANE Select); coding-DNA position 1506, A replaced by T.
Protein change: p.Leu502Phe; replaces leucine 502 with phenylalanine.
Molecular consequence: missense variant.
Genome position (GRCh38, 1-based): chr15:44,648,962, T>A on the plus strand (A>T on the coding strand, the complement: SPG11 is on the minus strand). VCF-style: chr15-44648962-T-A. GRCh37 (hg19) VCF-style: chr15-44941160-T-A.
Other names: c.1506A>T, p.Leu502Phe (NM_001160227.2, NM_001411132.1); short protein forms L502F.
Identifiers: ClinVar variation 4847165 (VCV004847165.1).